The following is an entry in ClinVar:

NM_001365276.2(TNXB):c.3758C>A (p.Pro1253His)

Gene: TNXB (tenascin XB; minus strand). Cytogenetic location: 6p21.33.
Variant type: single nucleotide variant.
Coding change: c.3758C>A on transcript NM_001365276.2 (MANE Select); coding-DNA position 3758, C replaced by A.
Protein change: p.Pro1253His; replaces proline 1253 with histidine.
Molecular consequence: missense variant.
Genome position (GRCh38, 1-based): chr6:32,081,652, G>T on the plus strand (C>A on the coding strand, the complement: TNXB is on the minus strand). VCF-style: chr6-32081652-G-T. GRCh37 (hg19) VCF-style: chr6-32049429-G-T.
Other names: p.Pro1253His; c.3758C>A, p.Pro1253His (NM_019105.8); short protein forms P1253H.
Identifiers: ClinVar variation 1214244 (VCV001214244.49), dbSNP rs188789382, ClinGen allele CA3735114.

ClinVar aggregate classification (germline): Conflicting classifications of pathogenicity. Review status: criteria provided, conflicting classifications (1 of 4 stars). 7 submissions from 7 submitters: Uncertain significance (3); Benign (1); Likely benign (3). Last evaluated 2026-01-25.

Conditions:
Cardiovascular phenotype. Identifiers: MedGen CN230736.

Allele frequency attached by ClinVar (database versions not stated): ESP Exome Variant Server 0.00042; 1000 Genomes Project 30x 0.00125; 1000 Genomes Project 0.00140.
gnomAD v4.1: 303 of 1,589,254 alleles (0.019%); highest among the groups gnomAD compares: African/African-American, 0.31%; 2 homozygotes.

Submissions (7):

Labcorp Genetics (formerly Invitae), Labcorp
Classification: Likely benign. Last evaluated: 2026-01-25. Review status: criteria provided, single submitter. Criteria: Invitae Variant Classification Sherloc (09022015). Collection method: clinical testing. Allele origin: germline.

Ambry Genetics
Classification: Benign for Cardiovascular phenotype. Last evaluated: 2025-12-15. Review status: criteria provided, single submitter. Criteria: Ambry Variant Classification Scheme 2023. Collection method: clinical testing. Allele origin: germline.

Mayo Clinic Laboratories, Mayo Clinic
Classification: Likely benign. Last evaluated: 2025-07-31. Review status: criteria provided, single submitter. Criteria: ACMG Guidelines, 2015. Collection method: clinical testing. Allele origin: germline. Observed: 1 variant allele.
Comment: BS1, BP4_moderate

Women's Health and Genetics/Laboratory Corporation of America, LabCorp
Classification: Likely benign. Last evaluated: 2025-04-16. Review status: criteria provided, single submitter. Criteria: LabCorp Variant Classification Summary - May 2015. Collection method: clinical testing. Allele origin: germline.
Comment: Variant summary: TNXB c.3758C>A (p.Pro1253His) results in a non-conservative amino acid change in the encoded protein sequence. Two of four in-silico tools predict a benign effect of the variant on protein function. The variant allele was found at a frequency of 0.00018 in 215734 control chromosomes, predominantly at a frequency of 0.0022 within the African or African-American subpopulation in the gnomAD database. The observed variant frequency within African or African-American control individuals in the gnomAD database is approximately 2-fold of the estimated maximal expected allele frequency for a pathogenic variant in TNXB causing Ehlers-Danlos syndrome due to tenascin-X deficiency phenotype (0.0011). To our knowledge, no occurrence of c.3758C>A in individuals affected with Ehlers-Danlos syndrome due to tenascin-X deficiency and no experimental evidence demonstrating its impact on protein function have been reported. ClinVar contains an entry for this variant (Variation ID: 1214244). Based on the evidence outlined above, the variant was classified as likely benign.

GeneDx
Classification: Uncertain significance. Last evaluated: 2023-07-19. Review status: criteria provided, single submitter. Criteria: GeneDx Variant Classification Process June 2021. Collection method: clinical testing. Allele origin: germline. Affected: yes.
Comment: Has not been previously published as pathogenic or benign to our knowledge; In silico analysis supports that this missense variant does not alter protein structure/function; Observed with p.(S1091Y) in several individuals, suggesting that p.(P1253H) and p.(S1091Y) may occur on the same allele (in cis)

CeGaT Center for Human Genetics Tuebingen
Classification: Uncertain significance. Last evaluated: 2021-10-01. Review status: criteria provided, single submitter. Criteria: CeGaT Center For Human Genetics Tuebingen Variant Classification Criteria Version 2. Collection method: clinical testing. Allele origin: germline. Affected: yes. Observed: 1 variant allele.

Breakthrough Genomics
Classification: Uncertain significance. Review status: criteria provided, single submitter. Criteria: ACMG Guidelines, 2015. Collection method: not provided. Allele origin: germline. Inheritance: Autosomal recessive inheritance. Affected: yes.